The following is an entry in ClinVar:

NM_014638.4(PLCH2):c.3609C>T (p.Asn1203=)

Gene: PLCH2 (phospholipase C eta 2; plus strand). Cytogenetic location: 1p36.32.
Variant type: single nucleotide variant.
Coding change: c.3609C>T on transcript NM_014638.4 (MANE Select); coding-DNA position 3609, C replaced by T.
Protein change: p.Asn1203=; no amino-acid change (asparagine 1203 retained).
Molecular consequence: synonymous variant. On other transcripts: 3 prime UTR variant (2).
Genome position (GRCh38, 1-based): chr1:2,504,571, C>T. VCF-style: chr1-2504571-C-T. GRCh37 (hg19) VCF-style: chr1-2436010-C-T.
Other names: c.*944C>T (NM_001303012.2); c.*586C>T (NM_001303013.1).
Identifiers: ClinVar variation 2638083 (VCV002638083.24), dbSNP rs201982091, ClinGen allele CA539683.

ClinVar aggregate classification (germline): Likely benign (1 of 4 stars; one submission).

Allele frequency attached by ClinVar (database versions not stated): 1000 Genomes Project 0.00080; 1000 Genomes Project 30x 0.00094; ExAC 0.00306; gnomAD 0.00334; TOPMed 0.00348; ESP Exome Variant Server 0.00390.
gnomAD v4.1: 7,379 of 1,612,794 alleles (0.46%); highest among the groups gnomAD compares: Non-Finnish European, 0.55%; 26 homozygotes.

Submission:

CeGaT Center for Human Genetics Tuebingen
Classification: Likely benign. Last evaluated: 2023-02-01. Review status: criteria provided, single submitter. Criteria: CeGaT Center For Human Genetics Tuebingen Variant Classification Criteria Version 2. Collection method: clinical testing. Allele origin: germline. Affected: yes. Observed: 1 variant allele.
Comment: PLCH2: BP4, BS2